The following is an entry in ClinVar:

ClinVar aggregate classification (germline): Uncertain significance (1 of 4 stars; one submission).

Submission:

Labcorp Genetics (formerly Invitae), Labcorp
Classification: Uncertain significance. Last evaluated: 2021-03-27. Review status: criteria provided, single submitter. Criteria: Invitae Variant Classification Sherloc (09022015). Collection method: clinical testing. Allele origin: germline.
Comment: This sequence change replaces glutamine with lysine at codon 35 of the USH1C protein (p.Gln35Lys). The glutamine residue is highly conserved and there is a small physicochemical difference between glutamine and lysine. This variant is not present in population databases (ExAC no frequency). This variant has not been reported in the literature in individuals with USH1C-related conditions. Algorithms developed to predict the effect of missense changes on protein structure and function (SIFT, PolyPhen-2, Align-GVGD) all suggest that this variant is likely to be tolerated, but these predictions have not been confirmed by published functional studies and their clinical significance is uncertain. In summary, the available evidence is currently insufficient to determine the role of this variant in disease. Therefore, it has been classified as a Variant of Uncertain Significance.

NM_153676.4(USH1C):c.103C>A (p.Gln35Lys)

Gene: USH1C (USH1 protein network component harmonin; minus strand). Cytogenetic location: 11p15.1.
Variant type: single nucleotide variant.
Coding change: c.103C>A on transcript NM_153676.4 (MANE Select); coding-DNA position 103, C replaced by A.
Protein change: p.Gln35Lys; replaces glutamine 35 with lysine.
Molecular consequence: missense variant. On other transcripts: non-coding transcript variant (1).
Genome position (GRCh38, 1-based): chr11:17,533,256, G>T on the plus strand (C>A on the coding strand, the complement: USH1C is on the minus strand). VCF-style: chr11-17533256-G-T. GRCh37 (hg19) VCF-style: chr11-17554803-G-T.
Other names: c.103C>A, p.Gln35Lys (NM_001297764.2, NM_005709.4); short protein forms Q35K.
Identifiers: ClinVar variation 1520763 (VCV001520763.8), dbSNP rs1477925627, ClinGen allele CA379800286.
Genomic context (GRCh38, chr11:17,533,256, plus strand): 5'-GGCTCCCTGAAGACAAAGGAACCCAAGTGGCCCACAAGAGCTGGACCCAGCACACTTACT[G>T]GTGGTACATTCGCAGCACATCATAGAGATAGTCCTTCTCTGCATCATTTTCAATCAGAAA-3'
Protein context (NP_710142.1, residues 25-45): YLYDVLRMYH[Gln35Lys]TMDVAVLVGD